The following is an entry in ClinVar:

ClinVar aggregate classification (germline): Likely pathogenic. Review status: reviewed by expert panel (3 of 4 stars). 2 submissions from 2 submitters: Likely pathogenic (1). 1 of the submissions does not count toward it. Last evaluated 2022-02-22.

Conditions:
Very long chain acyl-CoA dehydrogenase deficiency (ACADVLD). Also called: Very Long-Chain Acyl-Coenzyme A Dehydrogenase Deficiency; VLCAD Deficiency. Identifiers: Orphanet 26793, MedGen C3887523, MONDO:0008723, OMIM 201475.

Submissions (2):

ClinGen ACADVL Variant Curation Expert Panel, ClinGen
Classification: Likely pathogenic for Very long chain acyl-CoA dehydrogenase deficiency. Last evaluated: 2022-02-22. Review status: reviewed by expert panel. Criteria: clingen acadvl acmg specifications v1. Collection method: curation. Allele origin: germline. Inheritance: Autosomal recessive inheritance.
Comment: The NM_000018.4(ACADVL):c.190A>T (p.Lys64Ter) variant in ACADVL is a nonsense predicted to cause a premature stop codon in biologically relevant exon 3/20 leading to nonsense mediated decay in a gene in which loss-of-function is an established disease mechanism (PVS1: PMIDs 9973285, 11590124). This variant is absent from gnomAD v2.1.1 (PM2_Supporting). To our knowledge, functional assays have not been reported for this variant. To our knowledge, this variant has not been reported in the literature in any individuals with VLCAD deficiency. In summary, this variant meets the criteria to be classified as LIKELY PATHOGENIC for autosomal recessive very long chain acyl-CoA dehydrogenase (VLCAD) deficiency based on the ACMG/AMP criteria applied, as specified by the ClinGen ACADVL Variant Curation Expert Panel: PVS1, PM2_Supporting, VCEP specifications v2.0; Approved 10-15-21.

Labcorp Genetics (formerly Invitae), Labcorp
Classification: Pathogenic for Very long chain acyl-CoA dehydrogenase deficiency. Last evaluated: 2023-08-14. Review status: criteria provided, single submitter. Criteria: Invitae Variant Classification Sherloc (09022015). Collection method: clinical testing. Allele origin: germline. Not counted in ClinVar's aggregate classification.
Comment: This sequence change creates a premature translational stop signal (p.Lys64*) in the ACADVL gene. It is expected to result in an absent or disrupted protein product. Loss-of-function variants in ACADVL are known to be pathogenic (PMID: 9973285, 11590124). This variant is not present in population databases (gnomAD no frequency). This variant has not been reported in the literature in individuals affected with ACADVL-related conditions. ClinVar contains an entry for this variant (Variation ID: 1076425). For these reasons, this variant has been classified as Pathogenic.

Literature cited by the submitters: PubMed 9973285 (cited by Labcorp Genetics (formerly Invitae), Labcorp); PubMed 11590124 (cited by Labcorp Genetics (formerly Invitae), Labcorp).

NM_000018.4(ACADVL):c.190A>T (p.Lys64Ter)

Gene: ACADVL (acyl-CoA dehydrogenase very long chain; plus strand). Cytogenetic location: 17p13.1.
Variant type: single nucleotide variant.
Coding change: c.190A>T on transcript NM_000018.4 (MANE Select); coding-DNA position 190, A replaced by T.
Protein change: p.Lys64Ter; replaces lysine 64 with a stop codon.
Molecular consequence: nonsense. On other transcripts: 5 prime UTR variant (1), intron variant (1).
Genome position (GRCh38, 1-based): chr17:7,220,515, A>T. VCF-style: chr17-7220515-A-T. GRCh37 (hg19) VCF-style: chr17-7123834-A-T.
Other names: NM_000018.4(ACADVL):c.190A>T; p.Lys64Ter; c.259A>T, p.Lys87Ter (NM_001270447.2); c.-39A>T (NM_001270448.2); c.139-89A>T (NM_001033859.3); short protein forms K64*, K87*.
Identifiers: ClinVar variation 1076425 (VCV001076425.8), dbSNP rs2142964399, ClinGen allele CA397722281.